The following is an entry in ClinVar:

NM_015175.3(NBEAL2):c.2809T>C (p.Leu937=)

Gene: NBEAL2 (neurobeachin like 2; plus strand). Cytogenetic location: 3p21.31.
Variant type: single nucleotide variant.
Coding change: c.2809T>C on transcript NM_015175.3 (MANE Select); coding-DNA position 2809, T replaced by C.
Protein change: p.Leu937=; no amino-acid change (leucine 937 retained).
Molecular consequence: synonymous variant.
Genome position (GRCh38, 1-based): chr3:46,997,418, T>C. VCF-style: chr3-46997418-T-C. GRCh37 (hg19) VCF-style: chr3-47038908-T-C.
Other names: c.2707T>C, p.Leu903= (NM_001365116.2).
Identifiers: ClinVar variation 4996665 (VCV004996665.1).
Genomic context (GRCh38, chr3:46,997,418, plus strand): 5'-CATGACCTCGTGGGTCCTGAACTGACCTCTGGTCACAACACCCAGGGCCTGGTTCTCCCA[T>C]TGGGTAAATCTTCAGGTAAGTGTTCCTGGTGCCTATGTTGTGGAGAGGGAATCTTGGCAT-3'
Protein context (NP_055990.1, residues 927-947): GHNTQGLVLP[Leu937=]GKSSEERMER

ClinVar aggregate classification (germline): Likely benign (1 of 4 stars; one submission).

Conditions:
NBEAL2-related disorder. Also called: NBEAL2-related condition.

gnomAD v4.1: 58 of 1,609,864 alleles (0.0036%); highest among the groups gnomAD compares: Middle Eastern, 0.066%; no homozygotes.

Submission:

PreventionGenetics, part of Exact Sciences
Classification: Likely benign for NBEAL2-related condition. Last evaluated: 2024-10-31. Review status: criteria provided, single submitter. Criteria: ACMG Guidelines, 2015. Collection method: clinical testing. Allele origin: germline.
Comment: This variant is classified as likely benign based on ACMG/AMP sequence variant interpretation guidelines (Richards et al. 2015 PMID: 25741868, with internal and published modifications).